The following is an entry in ClinVar:

NM_001130144.3(LTBP3):c.62C>T (p.Ala21Val)

Gene: LTBP3 (latent transforming growth factor beta binding protein 3; minus strand). Cytogenetic location: 11q13.1.
Variant type: single nucleotide variant.
Coding change: c.62C>T on transcript NM_001130144.3 (MANE Select); coding-DNA position 62, C replaced by T.
Protein change: p.Ala21Val; replaces alanine 21 with valine.
Molecular consequence: missense variant. On other transcripts: 5 prime UTR variant (1).
Genome position (GRCh38, 1-based): chr11:65,557,898, G>A on the plus strand (C>T on the coding strand, the complement: LTBP3 is on the minus strand). VCF-style: chr11-65557898-G-A. GRCh37 (hg19) VCF-style: chr11-65325369-G-A.
Other names: c.-286C>T (NM_001164266.1); c.62C>T, p.Ala21Val (NM_021070.4); short protein forms A21V.
Identifiers: ClinVar variation 4720399 (VCV004720399.1).

ClinVar aggregate classification (germline): Uncertain significance (1 of 4 stars; one submission).

Conditions:
Brachyolmia-amelogenesis imperfecta syndrome. Also called: PLATYSPONDYLY WITH AMELOGENESIS IMPERFECTA; Tooth agenesis, selective, 6; Dental anomalies and short stature. Identifiers: Orphanet 2899, MedGen C1832594, MONDO:0011018, OMIM 601216. Disease mechanism: loss of function.

gnomAD v4.1: 2 of 1,270,156 alleles (0.00016%); highest among the groups gnomAD compares: East Asian, 0.004%; no homozygotes.

Submission:

Labcorp Genetics (formerly Invitae), Labcorp
Classification: Uncertain significance for Brachyolmia-amelogenesis imperfecta syndrome. Last evaluated: 2025-07-24. Review status: criteria provided, single submitter. Criteria: Invitae Variant Classification Sherloc (09022015). Collection method: clinical testing. Allele origin: germline.
Comment: This sequence change replaces alanine, which is neutral and non-polar, with valine, which is neutral and non-polar, at codon 21 of the LTBP3 protein (p.Ala21Val). This variant is not present in population databases (gnomAD no frequency). This variant has not been reported in the literature in individuals affected with LTBP3-related conditions. An algorithm developed to predict the effect of missense changes on protein structure and function outputs the following: PolyPhen-2: "Not Available". The valine amino acid residue is found in multiple mammalian species, which suggests that this missense change does not adversely affect protein function. In summary, the available evidence is currently insufficient to determine the role of this variant in disease. Therefore, it has been classified as a Variant of Uncertain Significance.